The following is an entry in ClinVar:

NM_000551.4(VHL):c.57del (p.Val20fs)

Gene: VHL (von Hippel-Lindau tumor suppressor; plus strand). Cytogenetic location: 3p25.3.
Variant type: Deletion.
Coding change: c.57del on transcript NM_000551.4 (MANE Select); coding-DNA position 57, one base deleted (C; older notation c.57delC).
Protein change: p.Val20fs; shifts the reading frame from valine 20.
Molecular consequence: frameshift variant.
Genome position (GRCh38, 1-based): chr3:10,141,904, C deleted. VCF-style (leftmost placement, unchanged base first): chr3-10141903-GC-G. GRCh37 (hg19) VCF-style: chr3-10183587-GC-G.
Other names: c.57del, p.Val20fs (NM_001354723.2, NM_198156.3); c.57delC (NM_000551.3); short protein forms V20fs.
Identifiers: ClinVar variation 526683 (VCV000526683.13), dbSNP rs1553619308, ClinGen allele CA658796232.

ClinVar aggregate classification (germline): Uncertain significance. Review status: criteria provided, multiple submitters, no conflicts (2 of 4 stars). 3 submissions from 3 submitters: Uncertain significance (3). Last evaluated 2024-11-27.

Conditions:
Chuvash polycythemia. Also called: POLYCYTHEMIA, VHL-DEPENDENT. Identifiers: Orphanet 238557, MedGen C1837915, MONDO:0009892, OMIM 263400.
Von Hippel-Lindau syndrome (VHLS). Also called: von Hippel–Lindau syndrome; VHL syndrome; Von Hippel-Lindau. Identifiers: Orphanet 892, MedGen C0019562, MONDO:0008667, OMIM 193300. Disease mechanism: loss of function.
Hereditary cancer-predisposing syndrome. Also called: Neoplastic Syndromes, Hereditary; Tumor predisposition; Hereditary neoplastic syndrome; Hereditary Cancer Syndrome. Identifiers: Orphanet 140162, MedGen C0027672, MeSH D009386, MONDO:0015356.

Allele frequency attached by ClinVar (database versions not stated): gnomAD exomes below 0.00001; TOPMed below 0.00001.

Submissions (3):

Labcorp Genetics (formerly Invitae), Labcorp
Classification: Uncertain significance for Von Hippel-Lindau syndrome; Chuvash polycythemia. Last evaluated: 2024-11-27. Review status: criteria provided, single submitter. Criteria: Invitae Variant Classification Sherloc (09022015). Collection method: clinical testing. Allele origin: germline.
Comment: This sequence change creates a premature translational stop signal (p.Val20Serfs*47) in the VHL gene. It is unclear whether it will result in an absent or disrupted protein product because an in-frame methionine located at codon 54 has the potential to rescue this variant. This variant is not present in population databases (gnomAD no frequency). This variant has not been reported in the literature in individuals affected with VHL-related conditions. ClinVar contains an entry for this variant (Variation ID: 526683). Several studies have shown that the VHL protein created from a downstream methionine located at codon 54 is biologically active, and exhibits properties similar to the full-length, wild-type protein (PMID: 9671762, 9751722). In summary, the available evidence is currently insufficient to determine the role of this variant in disease. Therefore, it has been classified as a Variant of Uncertain Significance.

Ambry Genetics
Classification: Uncertain significance for Hereditary cancer-predisposing syndrome. Last evaluated: 2023-06-21. Review status: criteria provided, single submitter. Criteria: Ambry Variant Classification Scheme 2023. Collection method: clinical testing. Allele origin: germline.
Comment: The c.57delC variant, located in coding exon 1 of the VHL gene, results from a deletion of one nucleotide at nucleotide position 57, causing a translational frameshift with a predicted alternate stop codon (p.V20Sfs*47). Premature stop codons are typically deleterious in nature; however, an alternate initiation codon exists twenty-four residues downstream of this alteration, and is reported to result in a biologically active isoform, known as VHL19 (Schoenfeld A et al. Proc. Natl. Acad. Sci. U.S.A. 1998 Jul; 95(15):8817-22; Iliopoulos O et al. Proc. Natl. Acad. Sci. U.S.A. 1998 Sep; 95(20):11661-6). Since supporting evidence is limited at this time, the clinical significance of this alteration remains unclear.

All of Us Research Program, National Institutes of Health
Classification: Uncertain significance for Von Hippel-Lindau syndrome. Last evaluated: 2023-04-03. Review status: criteria provided, single submitter. Criteria: ACMG Guidelines, 2015. Collection method: clinical testing. Allele origin: germline. Inheritance: Autosomal dominant inheritance. Observed: 1 variant allele, 1 heterozygote.
Comment: This variant deletes 1 nucleotide in exon 1 of the VHL gene, creating a frameshift and premature translation stop signal. However, there is a naturally occurring VHL protein isoform that has start of translation at methionine 54 and appears to retain tumor suppressor activity (PMID: 9671762, 9751722, 10102622), which may ameliorate the deleterious effects of this N-terminal frameshift. To our knowledge, this variant has not been reported in individuals affected with VHL-related disorders in the literature. This variant has not been identified in the general population by the Genome Aggregation Database (gnomAD). Loss of VHL function is a known mechanism of disease. The available evidence is insufficient to determine the role of this variant in disease conclusively. Therefore, this variant is classified as a Variant of Uncertain Significance.

This study involves interpretation of variants in research participants for the purpose of population health screening. Participant phenotype was not available at the time of variant classification. Additional details can be found in publication PMID: 35346344, PMCID: PMC8962531

Literature cited by the submitters: PubMed 9671762 (cited by 3 submitters); PubMed 9751722 (cited by 3 submitters); PubMed 10102622 (cited by All of Us Research Program, National Institutes of Health).